The following is an entry in ClinVar:

NM_002693.3(POLG):c.71G>T (p.Arg24Leu)

Genes: POLG (DNA polymerase gamma, catalytic subunit; minus strand), POLGARF (POLG alternative reading frame; minus strand). Cytogenetic location: 15q26.1.
Variant type: single nucleotide variant.
Coding change: c.71G>T on transcript NM_002693.3 (MANE Select); coding-DNA position 71, G replaced by T.
Protein change: p.Arg24Leu; replaces arginine 24 with leucine.
Molecular consequence: missense variant.
Genome position (GRCh38, 1-based): chr15:89,333,684, C>A on the plus strand (G>T on the coding strand, the complement: POLG is on the minus strand). VCF-style: chr15-89333684-C-A. GRCh37 (hg19) VCF-style: chr15-89876915-C-A.
Other names: c.71G>T, p.Arg24Leu (NM_001126131.2); short protein forms R24L.
Identifiers: ClinVar variation 2997814 (VCV002997814.3), dbSNP rs773375256, ClinGen allele CA7725209.

ClinVar aggregate classification (germline): Uncertain significance. Review status: criteria provided, multiple submitters, no conflicts (2 of 4 stars). 2 submissions from 2 submitters: Uncertain significance (2). Last evaluated 2025-04-18.

Conditions:
POLG-related disorder. Also called: POLG-related condition; POLG-Related Disorders; POLG-Related Spectrum Disorders. Identifiers: MedGen C4763519.
Progressive sclerosing poliodystrophy (MTDPS4A). Also called: Alpers Syndrome; Mitochondrial DNA depletion syndrome 4A (Alpers type); Mitochondrial DNA Depletion Syndrome 4A; Alpers-Huttenlocher Syndrome; ALPERS DIFFUSE DEGENERATION OF CEREBRAL GRAY MATTER WITH HEPATIC CIRRHOSIS; NEURONAL DEGENERATION OF CHILDHOOD WITH LIVER DISEASE, PROGRESSIVE. Identifiers: Orphanet 726, MedGen C0205710, MONDO:0008758, OMIM 203700.

Allele frequency attached by ClinVar (database versions not stated): TOPMed below 0.00001; ExAC 0.00006.

Submissions (2):

PreventionGenetics, part of Exact Sciences
Classification: Uncertain significance for POLG-related condition. Last evaluated: 2025-04-18. Review status: criteria provided, single submitter. Criteria: ACMG Guidelines, 2015. Collection method: clinical testing. Allele origin: germline.
Comment: The POLG c.71G>T variant is predicted to result in the amino acid substitution p.Arg24Leu. To our knowledge, this variant has not been reported in the literature. This variant is reported in 0.015% of alleles in individuals of African descent in gnomAD. At this time, the clinical significance of this variant is uncertain due to the absence of conclusive functional and genetic evidence.

Labcorp Genetics (formerly Invitae), Labcorp
Classification: Uncertain significance for Progressive sclerosing poliodystrophy. Last evaluated: 2023-10-08. Review status: criteria provided, single submitter. Criteria: Invitae Variant Classification Sherloc (09022015). Collection method: clinical testing. Allele origin: germline.
Comment: This sequence change replaces arginine, which is basic and polar, with leucine, which is neutral and non-polar, at codon 24 of the POLG protein (p.Arg24Leu). This variant is present in population databases (rs773375256, gnomAD 0.02%). This variant has not been reported in the literature in individuals affected with POLG-related conditions. Advanced modeling of protein sequence and biophysical properties (such as structural, functional, and spatial information, amino acid conservation, physicochemical variation, residue mobility, and thermodynamic stability) performed at Invitae indicates that this missense variant is not expected to disrupt POLG protein function. In summary, the available evidence is currently insufficient to determine the role of this variant in disease. Therefore, it has been classified as a Variant of Uncertain Significance.